The following is an entry in ClinVar:

NM_001754.5(RUNX1):c.144C>A (p.Ser48Arg)

Gene: RUNX1 (RUNX family transcription factor 1; minus strand). Cytogenetic location: 21q22.12.
Variant type: single nucleotide variant.
Coding change: c.144C>A on transcript NM_001754.5 (MANE Select); coding-DNA position 144, C replaced by A.
Protein change: p.Ser48Arg; replaces serine 48 with arginine.
Molecular consequence: missense variant.
Genome position (GRCh38, 1-based): chr21:34,887,050, G>T on the plus strand (C>A on the coding strand, the complement: RUNX1 is on the minus strand). VCF-style: chr21-34887050-G-T. GRCh37 (hg19) VCF-style: chr21-36259347-G-T.
Other names: NM_001754.5(RUNX1):c.144C>A; p.Ser48Arg; c.63C>A, p.Ser21Arg (NM_001001890.3, NM_001122607.2); short protein forms S48R, S21R.
Identifiers: ClinVar variation 2965488 (VCV002965488.5), dbSNP rs147889692, ClinGen allele CA410204142.

ClinVar aggregate classification (germline): Uncertain significance. Review status: reviewed by expert panel (3 of 4 stars). 3 submissions from 3 submitters: Uncertain significance (1). 2 of the submissions do not count toward it. Last evaluated 2025-01-15.

Conditions:
Hereditary thrombocytopenia and hematologic cancer predisposition syndrome. Identifiers: Orphanet 71290, MedGen CN281654, MONDO:0011071.
Hereditary thrombocytopenia and hematological cancer predisposition syndrome associated with RUNX1. Also called: Familial Platelet Disorder with Propensity to Acute Myelogenous Leukemia; Familial thrombocytopenia with propensity to acute myelogenous leukemia; RUNX1 Familial Platelet Disorder with Associated Myeloid Malignancies; PLATELET DISORDER, ASPIRIN-LIKE. Identifiers: Orphanet 71290, MedGen C1832388, MeSH C563324, MONDO:0100083, OMIM 601399.
Inborn genetic diseases. Identifiers: MedGen C0950123, MeSH D030342.

gnomAD v4.1: 1 of 1,600,644 alleles (0.000062%); highest among the groups gnomAD compares: Non-Finnish European, 0.000085%; no homozygotes.

Submissions (3):

ClinGen Myeloid Malignancy Variant Curation Expert Panel
Classification: Uncertain significance for Hereditary thrombocytopenia and hematologic cancer predisposition syndrome. Last evaluated: 2025-01-15. Review status: reviewed by expert panel. Criteria: ClinGen MyeloMalig ACMG Specifications v2. Collection method: curation. Allele origin: germline. Inheritance: Autosomal dominant inheritance.
Comment: NM_001754.5(RUNX1):c.144C>A (p.Ser48Arg) is a missense variant which is completely absent from all population databases with at least 20x coverage for RUNX1 (PM2_Supporting). In summary, the clinical significance of this variant is uncertain. ACMG/AMP criteria applied, as specified by the Myeloid Malignancy Variant Curation Expert Panel for RUNX1: PM2_supporting.

Ambry Genetics
Classification: Uncertain significance for Inborn genetic diseases. Last evaluated: 2026-06-30. Review status: criteria provided, single submitter. Criteria: Ambry Variant Classification Scheme 2023. Collection method: clinical testing. Allele origin: germline. Not counted in ClinVar's aggregate classification.
Comment: The p.S48R variant (also known as c.144C>A), located in coding exon 3 of the RUNX1 gene, results from a C to A substitution at nucleotide position 144. The serine at codon 48 is replaced by arginine, an amino acid with dissimilar properties. This amino acid position is well conserved in available vertebrate species. In addition, the in silico prediction for this alteration is inconclusive. Based on the available evidence, the clinical significance of this variant remains unclear.

Labcorp Genetics (formerly Invitae), Labcorp
Classification: Uncertain significance for Hereditary thrombocytopenia and hematological cancer predisposition syndrome associated with RUNX1. Last evaluated: 2023-06-19. Review status: criteria provided, single submitter. Criteria: Invitae Variant Classification Sherloc (09022015). Collection method: clinical testing. Allele origin: germline. Not counted in ClinVar's aggregate classification.
Comment: This variant has not been reported in the literature in individuals affected with RUNX1-related conditions. Advanced modeling of protein sequence and biophysical properties (such as structural, functional, and spatial information, amino acid conservation, physicochemical variation, residue mobility, and thermodynamic stability) has been performed at Invitae for this missense variant, however the output from this modeling did not meet the statistical confidence thresholds required to predict the impact of this variant on RUNX1 protein function. In summary, the available evidence is currently insufficient to determine the role of this variant in disease. Therefore, it has been classified as a Variant of Uncertain Significance. This variant is not present in population databases (gnomAD no frequency). This sequence change replaces serine, which is neutral and polar, with arginine, which is basic and polar, at codon 48 of the RUNX1 protein (p.Ser48Arg).